The following is an entry in ClinVar:

ClinVar aggregate classification (germline): Uncertain significance. Review status: criteria provided, multiple submitters, no conflicts (2 of 4 stars). 2 submissions from 2 submitters: Uncertain significance (2). Last evaluated 2026-05-27.

Conditions:
Hereditary cancer-predisposing syndrome. Also called: Hereditary neoplastic syndrome; Tumor predisposition; Hereditary Cancer Syndrome; Neoplastic Syndromes, Hereditary. Identifiers: Orphanet 140162, MedGen C0027672, MeSH D009386, MONDO:0015356.
Hereditary breast ovarian cancer syndrome. Also called: Hereditary breast and ovarian cancer; Breast and ovarian cancer; Hereditary breast and/or ovarian cancer syndrome; BRCA1- and BRCA2-Associated Hereditary Breast and Ovarian Cancer; Hereditary breast and ovarian cancer syndrome; Hereditary breast and ovarian cancer syndrome (HBOC). Identifiers: Orphanet 145, MedGen C0677776, MeSH D061325, MONDO:0003582. Disease mechanism: loss of function.

Submissions (2):

Ambry Genetics
Classification: Uncertain significance for Hereditary cancer-predisposing syndrome. Last evaluated: 2026-05-27. Review status: criteria provided, single submitter. Criteria: Ambry Variant Classification Scheme 2023. Collection method: clinical testing. Allele origin: germline.
Comment: The p.T665I variant (also known as c.1994C>T), located in coding exon 10 of the BRCA2 gene, results from a C to T substitution at nucleotide position 1994. The threonine at codon 665 is replaced by isoleucine, an amino acid with similar properties. This amino acid position is not well conserved in available vertebrate species. In addition, the in silico prediction for this alteration is inconclusive. Based on the available evidence, the clinical significance of this variant remains unclear.

Labcorp Genetics (formerly Invitae), Labcorp
Classification: Uncertain significance for Hereditary breast ovarian cancer syndrome. Last evaluated: 2024-02-27. Review status: criteria provided, single submitter. Criteria: Invitae Variant Classification Sherloc (09022015). Collection method: clinical testing. Allele origin: germline.
Comment: This sequence change replaces threonine, which is neutral and polar, with isoleucine, which is neutral and non-polar, at codon 665 of the BRCA2 protein (p.Thr665Ile). This variant is not present in population databases (gnomAD no frequency). This missense change has been observed in individual(s) with pancreatic ductal adenocarcinoma (PMID: 35171259). Advanced modeling of protein sequence and biophysical properties (such as structural, functional, and spatial information, amino acid conservation, physicochemical variation, residue mobility, and thermodynamic stability) performed at Invitae indicates that this missense variant is not expected to disrupt BRCA2 protein function with a negative predictive value of 95%. In summary, the available evidence is currently insufficient to determine the role of this variant in disease. Therefore, it has been classified as a Variant of Uncertain Significance.

Literature cited by the submitters: PubMed 35171259 (cited by Labcorp Genetics (formerly Invitae), Labcorp).

NM_000059.4(BRCA2):c.1994C>T (p.Thr665Ile)

Gene: BRCA2 (BRCA2 DNA repair associated; plus strand). Cytogenetic location: 13q13.1.
Variant type: single nucleotide variant.
Coding change: c.1994C>T on transcript NM_000059.4 (MANE Select); coding-DNA position 1994, C replaced by T.
Protein change: p.Thr665Ile; replaces threonine 665 with isoleucine.
Molecular consequence: missense variant. On other transcripts: non-coding transcript variant (1), intron variant (2).
Genome position (GRCh38, 1-based): chr13:32,336,349, C>T. VCF-style: chr13-32336349-C-T. GRCh37 (hg19) VCF-style: chr13-32910486-C-T.
Other names: c.1994C>T, p.Thr665Ile (NM_001406719.1, NM_001406720.1, NM_001432077.1); c.1909+2962C>T (NM_001406721.1); c.424+5319C>T (NM_001406722.1); short protein forms T665I.
Identifiers: ClinVar variation 3636437 (VCV003636437.3).